The following is an entry in ClinVar:

NM_000051.4(ATM):c.1093G>T (p.Glu365Ter)

Gene: ATM (ATM serine/threonine kinase; plus strand). Cytogenetic location: 11q22.3.
Variant type: single nucleotide variant.
Coding change: c.1093G>T on transcript NM_000051.4 (MANE Select); coding-DNA position 1093, G replaced by T.
Protein change: p.Glu365Ter; replaces glutamic acid 365 with a stop codon.
Molecular consequence: nonsense.
Genome position (GRCh38, 1-based): chr11:108,248,960, G>T. VCF-style: chr11-108248960-G-T. GRCh37 (hg19) VCF-style: chr11-108119687-G-T.
Other names: c.1093G>T, p.Glu365Ter (NM_001351834.2); short protein forms E365*.
Identifiers: ClinVar variation 453353 (VCV000453353.9), dbSNP rs1555069577, ClinGen allele CA382532369.

ClinVar aggregate classification (germline): Pathogenic. Review status: criteria provided, multiple submitters, no conflicts (2 of 4 stars). 3 submissions from 3 submitters: Pathogenic (2). 1 of the submissions does not count toward it. Last evaluated 2020-01-29.

Conditions:
Hereditary cancer-predisposing syndrome. Also called: Tumor predisposition; Hereditary Cancer Syndrome; Neoplastic Syndromes, Hereditary; Hereditary neoplastic syndrome. Identifiers: Orphanet 140162, MedGen C0027672, MeSH D009386, MONDO:0015356.
Ataxia-telangiectasia syndrome (AT). Also called: Cerebello-oculocutaneous telangiectasia; Immunodeficiency with ataxia telangiectasia; Ataxia-telangiectasia, complementation group D; AT, COMPLEMENTATION GROUP C; Ataxia-telangiectasia, complementation group E; LOUIS-BAR SYNDROME. Identifiers: Orphanet 100, MedGen C0004135, MONDO:0008840, OMIM 208900.

Submissions (3):

Ambry Genetics
Classification: Pathogenic for Hereditary cancer-predisposing syndrome. Last evaluated: 2020-01-29. Review status: criteria provided, single submitter. Criteria: Ambry Variant Classification Scheme 2023. Collection method: clinical testing. Allele origin: germline.
Comment: The p.E365* variant (also known as c.1093G>T), located in coding exon 8 of the ATM gene, results from a G to T substitution at nucleotide position 1093. This changes the amino acid from a glutamic acid to a stop codon within coding exon 8. This alteration is expected to result in loss of function by premature protein truncation or nonsense-mediated mRNA decay. As such, this alteration is interpreted as a disease-causing mutation.

Labcorp Genetics (formerly Invitae), Labcorp
Classification: Pathogenic for Ataxia-telangiectasia syndrome. Last evaluated: 2017-07-25. Review status: criteria provided, single submitter. Criteria: Invitae Variant Classification Sherloc (09022015). Collection method: clinical testing. Allele origin: germline.
Comment: This variant has not been reported in the literature in individuals with ATM-related disease. For these reasons, this variant has been classified as Pathogenic. Loss-of-function variants in ATM are known to be pathogenic (PMID: 23807571, 25614872). This variant is not present in population databases (ExAC no frequency). This sequence change creates a premature translational stop signal (p.Glu365*) in the ATM gene. It is expected to result in an absent or disrupted protein product.

Counsyl
Classification: Likely pathogenic for Ataxia-telangiectasia syndrome. Last evaluated: 2018-05-14. Review status: no assertion criteria provided. Collection method: clinical testing. Allele origin: unknown. Not counted in ClinVar's aggregate classification.

Literature cited by the submitters: PubMed 23807571 (cited by Labcorp Genetics (formerly Invitae), Labcorp); PubMed 25614872 (cited by Labcorp Genetics (formerly Invitae), Labcorp).